The following is an entry in ClinVar:

ClinVar aggregate classification (germline): Uncertain significance (1 of 4 stars; one submission).

Conditions:
Inflammatory bowel disease 1 (IBD1). Also called: Inflammatory bowel disease 1, Crohn disease; INFLAMMATORY BOWEL DISEASE (CROHN DISEASE) 1. Identifiers: MedGen CN260071, MONDO:0009960, OMIM 266600.
Blau syndrome (BLAUS). Also called: GRANULOMATOSIS, FAMILIAL JUVENILE SYSTEMIC; GRANULOMATOSIS, FAMILIAL, BLAU TYPE; GRANULOMATOUS INFLAMMATORY ARTHRITIS, DERMATITIS, AND UVEITIS, FAMILIAL; JABS SYNDROME; ARTHROCUTANEOUVEAL GRANULOMATOSIS. Identifiers: Orphanet 90340, MedGen C5201146, MONDO:0008523, OMIM 186580.

Submission:

Labcorp Genetics (formerly Invitae), Labcorp
Classification: Uncertain significance for Inflammatory bowel disease 1; Blau syndrome. Last evaluated: 2019-12-30. Review status: criteria provided, single submitter. Criteria: Invitae Variant Classification Sherloc (09022015). Collection method: clinical testing. Allele origin: germline.
Comment: This sequence change replaces glutamine with glutamic acid at codon 574 of the NOD2 protein (p.Gln574Glu). The glutamine residue is moderately conserved and there is a small physicochemical difference between glutamine and glutamic acid. This variant is not present in population databases (ExAC no frequency). This variant has not been reported in the literature in individuals with NOD2-related conditions. Algorithms developed to predict the effect of missense changes on protein structure and function (SIFT, PolyPhen-2, Align-GVGD) all suggest that this variant is likely to be tolerated, but these predictions have not been confirmed by published functional studies and their clinical significance is uncertain. In summary, the available evidence is currently insufficient to determine the role of this variant in disease. Therefore, it has been classified as a Variant of Uncertain Significance.

NM_001370466.1(NOD2):c.1639C>G (p.Gln547Glu)

Gene: NOD2 (nucleotide binding oligomerization domain containing 2; plus strand). Cytogenetic location: 16q12.1.
Variant type: single nucleotide variant.
Coding change: c.1639C>G on transcript NM_001370466.1 (MANE Select); coding-DNA position 1639, C replaced by G.
Protein change: p.Gln547Glu; replaces glutamine 547 with glutamic acid.
Molecular consequence: missense variant. On other transcripts: non-coding transcript variant (1).
Genome position (GRCh38, 1-based): chr16:50,711,631, C>G. VCF-style: chr16-50711631-C-G. GRCh37 (hg19) VCF-style: chr16-50745542-C-G.
Other names: c.1639C>G, p.Gln547Glu (NM_001293557.2); c.1720C>G, p.Gln574Glu (NM_022162.3); short protein forms Q574E, Q547E.
Identifiers: ClinVar variation 843152 (VCV000843152.1), dbSNP rs1264862631, ClinGen allele CA395869485.